The following is an entry in ClinVar:

NM_021806.4(FAM3A):c.354C>T (p.Ile118=)

Gene: FAM3A (FAM3 metabolism regulating signaling molecule A; minus strand). Cytogenetic location: Xq28.
Variant type: single nucleotide variant.
Coding change: c.354C>T on transcript NM_021806.4 (MANE Select); coding-DNA position 354, C replaced by T.
Protein change: p.Ile118=; no amino-acid change (isoleucine 118 retained).
Molecular consequence: synonymous variant. On other transcripts: intron variant (1).
Genome position (GRCh38, 1-based): chrX:154,507,842, G>A on the plus strand (C>T on the coding strand, the complement: FAM3A is on the minus strand). VCF-style: chrX-154507842-G-A. GRCh37 (hg19) VCF-style: chrX-153736173-G-A.
Other names: c.354C>T, p.Ile118= (NM_001171132.3, NM_001282312.2); c.240C>T, p.Ile80= (NM_001171133.3); c.396C>T, p.Ile132= (NM_001282311.2); c.375C>T, p.Ile125= (NM_001363822.2); c.335-352C>T (NM_001171134.3).
Identifiers: ClinVar variation 2661850 (VCV002661850.24), dbSNP rs149150121, ClinGen allele CA10565815.

ClinVar aggregate classification (germline): Likely benign (1 of 4 stars; one submission).

Allele frequency attached by ClinVar (database versions not stated): gnomAD 0.00020; 1000 Genomes Project 30x 0.00021; 1000 Genomes Project 0.00026; TOPMed 0.00026; ExAC 0.00032; ESP Exome Variant Server 0.00038.
gnomAD v4.1: 740 of 1,193,318 alleles (0.062%); highest among the groups gnomAD compares: Non-Finnish European, 0.075%; 2 homozygotes.

Submission:

CeGaT Center for Human Genetics Tuebingen
Classification: Likely benign. Last evaluated: 2022-04-01. Review status: criteria provided, single submitter. Criteria: CeGaT Center For Human Genetics Tuebingen Variant Classification Criteria Version 2. Collection method: clinical testing. Allele origin: germline. Affected: yes. Observed: 1 variant allele.
Comment: FAM3A: BP4, BP7